The following is an entry in ClinVar:

ClinVar aggregate classification (germline): Uncertain significance. Review status: criteria provided, multiple submitters, no conflicts (2 of 4 stars). 5 submissions from 5 submitters: Uncertain significance (5). Last evaluated 2025-09-19.

Conditions:
Hereditary cancer-predisposing syndrome. Also called: Neoplastic Syndromes, Hereditary; Tumor predisposition; Hereditary Cancer Syndrome; Hereditary neoplastic syndrome. Identifiers: Orphanet 140162, MedGen C0027672, MeSH D009386, MONDO:0015356.
Endometrial carcinoma. Also called: Endometrial carcinoma, somatic. Identifiers: MedGen C0476089, MONDO:0002447, OMIM 608089, HP:0012114.

Allele frequency attached by ClinVar (database versions not stated): gnomAD exomes 0.00001 and 0.00003; ExAC 0.00002.
gnomAD v4.1: 51 of 1,610,392 alleles (0.0032%); highest among the groups gnomAD compares: Non-Finnish European, 0.0041%; no homozygotes.

Submissions (5):

Quest Diagnostics Nichols Institute San Juan Capistrano
Classification: Uncertain significance. Last evaluated: 2025-09-19. Review status: criteria provided, single submitter. Criteria: Quest Diagnostics criteria. Collection method: clinical testing. Allele origin: unknown.
Comment: The MSH3 c.2114A>G (p.Asp705Gly) variant has not been reported in individuals with MSH3-related conditions in the published literature. The frequency of this variant in the general population (Genome Aggregation Database) is uninformative in the assessment of its pathogenicity. Analysis of this variant using bioinformatics tools for the prediction of the effect of amino acid changes on protein structure and function yielded conflicting predictions that this variant is benign or damaging. Based on the available information, we are unable to determine the clinical significance of this variant.

Ambry Genetics
Classification: Uncertain significance for Hereditary cancer-predisposing syndrome. Last evaluated: 2025-09-06. Review status: criteria provided, single submitter. Criteria: Ambry Variant Classification Scheme 2023. Collection method: clinical testing. Allele origin: germline.
Comment: The p.D705G variant (also known as c.2114A>G), located in coding exon 15 of the MSH3 gene, results from an A to G substitution at nucleotide position 2114. The aspartic acid at codon 705 is replaced by glycine, an amino acid with similar properties. This amino acid position is highly conserved in available vertebrate species. In addition, this alteration is predicted to be deleterious by in silico analysis. Since supporting evidence is limited at this time, the clinical significance of this alteration remains unclear.

Labcorp Genetics (formerly Invitae), Labcorp
Classification: Uncertain significance. Last evaluated: 2025-06-14. Review status: criteria provided, single submitter. Criteria: Invitae Variant Classification Sherloc (09022015). Collection method: clinical testing. Allele origin: germline.
Comment: This sequence change replaces aspartic acid, which is acidic and polar, with glycine, which is neutral and non-polar, at codon 705 of the MSH3 protein (p.Asp705Gly). This variant is present in population databases (rs771375855, gnomAD 0.003%). This variant has not been reported in the literature in individuals affected with MSH3-related conditions. ClinVar contains an entry for this variant (Variation ID: 640343). An algorithm developed to predict the effect of missense changes on protein structure and function (PolyPhen-2) suggests that this variant is likely to be disruptive. In summary, the available evidence is currently insufficient to determine the role of this variant in disease. Therefore, it has been classified as a Variant of Uncertain Significance.

GeneDx
Classification: Uncertain significance. Last evaluated: 2024-12-15. Review status: criteria provided, single submitter. Criteria: GeneDx Variant Classification Process June 2021. Collection method: clinical testing. Allele origin: germline. Affected: yes.
Comment: Not observed at significant frequency in large population cohorts (gnomAD); In silico analysis supports that this missense variant has a deleterious effect on protein structure/function; Has not been previously published as pathogenic or benign to our knowledge

Baylor Genetics
Classification: Uncertain significance for Endometrial carcinoma. Last evaluated: 2024-03-19. Review status: criteria provided, single submitter. Criteria: ACMG Guidelines, 2015. Collection method: clinical testing. Allele origin: unknown.

NM_002439.5(MSH3):c.2114A>G (p.Asp705Gly)

Gene: MSH3 (mutS homolog 3; plus strand). Cytogenetic location: 5q14.1.
Variant type: single nucleotide variant.
Coding change: c.2114A>G on transcript NM_002439.5 (MANE Select); coding-DNA position 2114, A replaced by G.
Protein change: p.Asp705Gly; replaces aspartic acid 705 with glycine.
Molecular consequence: missense variant.
Genome position (GRCh38, 1-based): chr5:80,768,864, A>G. VCF-style: chr5-80768864-A-G. GRCh37 (hg19) VCF-style: chr5-80064683-A-G.
Other names: short protein forms D705G.
Identifiers: ClinVar variation 640343 (VCV000640343.15), dbSNP rs771375855, ClinGen allele CA3328141.